The following is an entry in ClinVar:

ClinVar aggregate classification (germline): Uncertain significance. Review status: criteria provided, multiple submitters, no conflicts (2 of 4 stars). 5 submissions from 5 submitters: Uncertain significance (2). 3 of the submissions do not count toward it. Last evaluated 2021-12-03.

Conditions:
Microcephalic osteodysplastic primordial dwarfism type II (MOPD2). Also called: Microcephalic osteodysplastic primordial dwarfism with tooth abnormalities; MOPD II; OSTEODYSPLASTIC PRIMORDIAL DWARFISM, TYPE II. Identifiers: Orphanet 2637, MedGen C0432246, MONDO:0008872, OMIM 210720.
Inborn genetic diseases. Identifiers: MedGen C0950123, MeSH D030342.
PCNT-related disorder. Also called: PCNT-related condition.

Allele frequency attached by ClinVar (database versions not stated): 1000 Genomes Project 30x 0.00016.

Submissions (5):

Ambry Genetics
Classification: Uncertain significance for Inborn genetic diseases. Last evaluated: 2021-12-03. Review status: criteria provided, single submitter. Criteria: Ambry Variant Classification Scheme 2023. Collection method: clinical testing. Allele origin: germline.

Illumina Laboratory Services, Illumina
Classification: Uncertain significance for Microcephalic osteodysplastic primordial dwarfism type II. Last evaluated: 2017-04-27. Review status: criteria provided, single submitter. Criteria: ICSL Variant Classification Criteria 13 December 2019. Collection method: clinical testing. Allele origin: germline.

PreventionGenetics, part of Exact Sciences
Classification: Uncertain significance for PCNT-related condition. Last evaluated: 2024-06-09. Review status: no assertion criteria provided. Collection method: clinical testing. Allele origin: germline. Not counted in ClinVar's aggregate classification.
Comment: The PCNT c.533A>C variant is predicted to result in the amino acid substitution p.Gln178Pro. To our knowledge, this variant has not been reported in the literature. This variant is reported in 0.021% of alleles in individuals of African descent in gnomAD. At this time, the clinical significance of this variant is uncertain due to the absence of conclusive functional and genetic evidence.

Diagnostic Laboratory, Department of Genetics, University Medical Center Groningen
Classification: Likely benign. Review status: no assertion criteria provided. Collection method: clinical testing. Allele origin: germline. Affected: yes. Study: VKGL Data-share Consensus. Not counted in ClinVar's aggregate classification.

Laboratory of Diagnostic Genome Analysis, Leiden University Medical Center (LUMC)
Classification: Likely benign. Review status: no assertion criteria provided. Collection method: clinical testing. Allele origin: germline. Affected: yes. Study: VKGL Data-share Consensus. Not counted in ClinVar's aggregate classification.

NM_006031.6(PCNT):c.533A>C (p.Gln178Pro)

Gene: PCNT (pericentrin; plus strand). Cytogenetic location: 21q22.3.
Variant type: single nucleotide variant.
Coding change: c.533A>C on transcript NM_006031.6 (MANE Select); coding-DNA position 533, A replaced by C.
Protein change: p.Gln178Pro; replaces glutamine 178 with proline.
Molecular consequence: missense variant.
Genome position (GRCh38, 1-based): chr21:46,334,662, A>C. VCF-style: chr21-46334662-A-C. GRCh37 (hg19) VCF-style: chr21-47754576-A-C.
Other names: c.179A>C, p.Gln60Pro (NM_001315529.2); short protein forms Q178P, Q60P.
Identifiers: ClinVar variation 897152 (VCV000897152.8), dbSNP rs200285580, ClinGen allele CA10078291.
Genomic context (GRCh38, chr21:46,334,662, plus strand): 5'-TGTTCACAGTCAGTGACCACCCACCAGAACAGCGTGGGATGTTCACAATCAGTGACCACC[A>C]ACCGGAACAGCGTGGGATGTTCACAGTCAGTGACCACACACCAGAACAGCGTGGGATCTT-3'
Protein context (NP_006022.3, residues 168-188): QRGMFTISDH[Gln178Pro]PEQRGMFTVS